The following is an entry in ClinVar:

NM_000287.4(PEX6):c.86G>A (p.Trp29Ter)

Gene: PEX6 (peroxisomal biogenesis factor 6; minus strand). Cytogenetic location: 6p21.1.
Variant type: single nucleotide variant.
Coding change: c.86G>A on transcript NM_000287.4 (MANE Select); coding-DNA position 86, G replaced by A.
Protein change: p.Trp29Ter; replaces tryptophan 29 with a stop codon.
Molecular consequence: nonsense. On other transcripts: non-coding transcript variant (1).
Genome position (GRCh38, 1-based): chr6:42,979,065, C>T on the plus strand (G>A on the coding strand, the complement: PEX6 is on the minus strand). VCF-style: chr6-42979065-C-T. GRCh37 (hg19) VCF-style: chr6-42946803-C-T.
Other names: c.86G>A, p.Trp29Ter (NM_001316313.2); short protein forms W29*.
Identifiers: ClinVar variation 4728892 (VCV004728892.1).

ClinVar aggregate classification (germline): Pathogenic (1 of 4 stars; one submission).

Conditions:
Peroxisome biogenesis disorder. Identifiers: Orphanet 79189, MedGen C1832200, MONDO:0019234. Disease mechanism: loss of function.

Submission:

Labcorp Genetics (formerly Invitae), Labcorp
Classification: Pathogenic for Peroxisome biogenesis disorder. Last evaluated: 2025-10-10. Review status: criteria provided, single submitter. Criteria: Invitae Variant Classification Sherloc (09022015). Collection method: clinical testing. Allele origin: germline.
Comment: This sequence change creates a premature translational stop signal (p.Trp29*) in the PEX6 gene. It is expected to result in an absent or disrupted protein product. Loss-of-function variants in PEX6 are known to be pathogenic (PMID: 10408779, 21031596, 31831025). This variant is not present in population databases (gnomAD no frequency). This variant has not been reported in the literature in individuals affected with PEX6-related conditions. For these reasons, this variant has been classified as Pathogenic.

Literature cited by the submitters: PubMed 10408779; PubMed 21031596; PubMed 31831025.